The following is an entry in ClinVar:

NM_058179.4(PSAT1):c.868G>A (p.Val290Ile)

Gene: PSAT1 (phosphoserine aminotransferase 1; plus strand). Cytogenetic location: 9q21.2.
Variant type: single nucleotide variant.
Coding change: c.868G>A on transcript NM_058179.4 (MANE Select); coding-DNA position 868, G replaced by A.
Protein change: p.Val290Ile; replaces valine 290 with isoleucine.
Molecular consequence: missense variant.
Genome position (GRCh38, 1-based): chr9:78,317,803, G>A. VCF-style: chr9-78317803-G-A. GRCh37 (hg19) VCF-style: chr9-80932719-G-A.
Other names: c.868G>A, p.Val290Met (NM_021154.5); short protein forms V290I, V290M.
Identifiers: ClinVar variation 661070 (VCV000661070.10), dbSNP rs200049723, ClinGen allele CA5095744.
Genomic context (GRCh38, chr9:78,317,803, plus strand): 5'-CTTAGCTCCATCAAATCTCAAACAATTTATGAGATTATTGATAATTCTCAAGGATTCTAC[G>A]TGTAAGTCAATGGATTTTATCTCCTATTTTGCCTCTTGTGAATTTAAAACTGTGTATATA-3'
Protein context (NP_478059.1, residues 280-300): EIIDNSQGFY[Val290Ile]CPVEPQNRSK

ClinVar aggregate classification (germline): Uncertain significance. Review status: criteria provided, multiple submitters, no conflicts (2 of 4 stars). 3 submissions from 3 submitters: Uncertain significance (2). 1 of the submissions does not count toward it. Last evaluated 2026-04-22.

Conditions:
Neu-Laxova syndrome 2. Identifiers: Orphanet 2671, Orphanet 583602, MedGen C4015019, MONDO:0014466, OMIM 616038.

Allele frequency attached by ClinVar (database versions not stated): gnomAD exomes 0.00006; ExAC 0.00009; gnomAD 0.00025 and 0.00028; TOPMed 0.00073.
gnomAD v4.1: 195 of 1,612,302 alleles (0.012%); highest among the groups gnomAD compares: Admixed American, 0.088%; no homozygotes.

Submissions (3):

Women's Health and Genetics/Laboratory Corporation of America, LabCorp
Classification: Uncertain significance. Last evaluated: 2026-04-22. Review status: criteria provided, single submitter. Criteria: LabCorp Variant Classification Summary - May 2015. Collection method: clinical testing. Allele origin: germline.
Comment: Variant summary: PSAT1 c.868G>A (p.Val290Ile) results in a conservative amino acid change in the encoded protein sequence. Algorithms developed to predict the effect of missense changes on protein structure and function are either unavailable or do not agree on the potential impact of this missense change. Consensus agreement among computation tools predict no significant impact on normal splicing. However, these predictions have yet to be confirmed by functional studies. The variant allele was found at a frequency of 6.4e-05 in 251338 control chromosomes. This frequency is not significantly higher than estimated for disease-causing variants in PSAT1, allowing no conclusion about variant significance. To our knowledge, no occurrence of c.868G>A in individuals affected with PSAT1-related conditions and no experimental evidence demonstrating its impact on protein function have been reported. ClinVar contains an entry for this variant (Variation ID: 661070). Based on the evidence outlined above, the variant was classified as uncertain significance.

Labcorp Genetics (formerly Invitae), Labcorp
Classification: Uncertain significance for Neu-Laxova syndrome 2. Last evaluated: 2022-08-15. Review status: criteria provided, single submitter. Criteria: Invitae Variant Classification Sherloc (09022015). Collection method: clinical testing. Allele origin: germline.
Comment: This sequence change replaces valine, which is neutral and non-polar, with isoleucine, which is neutral and non-polar, at codon 290 of the PSAT1 protein (p.Val290Ile). This variant is present in population databases (rs200049723, gnomAD 0.02%). This variant has not been reported in the literature in individuals affected with PSAT1-related conditions. ClinVar contains an entry for this variant (Variation ID: 661070). Algorithms developed to predict the effect of missense changes on protein structure and function output the following: SIFT: "Tolerated"; PolyPhen-2: "Benign"; Align-GVGD: "Class C0". The isoleucine amino acid residue is found in multiple mammalian species, which suggests that this missense change does not adversely affect protein function. In summary, the available evidence is currently insufficient to determine the role of this variant in disease. Therefore, it has been classified as a Variant of Uncertain Significance.

Dudley Research Group, Pacific Northwest Research Institute
No classification provided. Review status: no classification provided. Collection method: research, in vivo. Allele origin: unknown, not applicable. Functional consequence: function_uncertain_variant. Not counted in ClinVar's aggregate classification.